The following is an entry in ClinVar:

NM_000548.5(TSC2):c.2812A>C (p.Thr938Pro)

Gene: TSC2 (TSC complex subunit 2; plus strand). Cytogenetic location: 16p13.3.
Variant type: single nucleotide variant.
Coding change: c.2812A>C on transcript NM_000548.5 (MANE Select); coding-DNA position 2812, A replaced by C.
Protein change: p.Thr938Pro; replaces threonine 938 with proline.
Molecular consequence: missense variant.
Genome position (GRCh38, 1-based): chr16:2,076,560, A>C. VCF-style: chr16-2076560-A-C. GRCh37 (hg19) VCF-style: chr16-2126561-A-C.
Other names: c.2812A>C, p.Thr938Pro (NM_001370405.1, NM_021055.3, NM_001077183.3 and 3 more transcripts); c.2701A>C, p.Thr901Pro (NM_001318827.2); c.2665A>C, p.Thr889Pro (NM_001318829.2); c.2212A>C, p.Thr738Pro (NM_001318831.2); c.2845A>C, p.Thr949Pro (NM_001318832.2); short protein forms T938P, T738P, T949P, T889P, T901P.
Identifiers: ClinVar variation 582208 (VCV000582208.8), dbSNP rs1567486660, ClinGen allele CA394280157.

ClinVar aggregate classification (germline): Uncertain significance (1 of 4 stars; one submission).

Conditions:
Tuberous sclerosis 2 (TSC2). Identifiers: Orphanet 805, MedGen C1860707, MONDO:0013199, OMIM 613254.

Submission:

Labcorp Genetics (formerly Invitae), Labcorp
Classification: Uncertain significance for Tuberous sclerosis 2. Last evaluated: 2025-07-30. Review status: criteria provided, single submitter. Criteria: Invitae Variant Classification Sherloc (09022015). Collection method: clinical testing. Allele origin: germline.
Comment: This sequence change replaces threonine, which is neutral and polar, with proline, which is neutral and non-polar, at codon 938 of the TSC2 protein (p.Thr938Pro). This variant is not present in population databases (gnomAD no frequency). This variant has not been reported in the literature in individuals affected with TSC2-related conditions. ClinVar contains an entry for this variant (Variation ID: 582208). Invitae Evidence Modeling of protein sequence and biophysical properties (such as structural, functional, and spatial information, amino acid conservation, physicochemical variation, residue mobility, and thermodynamic stability) indicates that this missense variant is not expected to disrupt TSC2 protein function with a negative predictive value of 95%. In summary, the available evidence is currently insufficient to determine the role of this variant in disease. Therefore, it has been classified as a Variant of Uncertain Significance.